The following is an entry in ClinVar:

ClinVar aggregate classification (germline): Likely benign (0 of 4 stars; one submission).

Conditions:
DNMBP-related disorder. Also called: DNMBP-related condition.

Allele frequency attached by ClinVar (database versions not stated): gnomAD exomes below 0.00001.
gnomAD v4.1: 2 of 1,613,312 alleles (0.00012%); highest among the groups gnomAD compares: Middle Eastern, 0.033%; no homozygotes.

Submission:

PreventionGenetics, part of Exact Sciences
Classification: Likely benign for DNMBP-related condition. Last evaluated: 2019-09-12. Review status: no assertion criteria provided. Collection method: clinical testing. Allele origin: germline.
Comment: This variant is classified as likely benign based on ACMG/AMP sequence variant interpretation guidelines (Richards et al. 2015 PMID: 25741868, with internal and published modifications).

NM_015221.4(DNMBP):c.18G>T (p.Val6=)

Gene: DNMBP (dynamin binding protein; minus strand). Cytogenetic location: 10q24.2.
Variant type: single nucleotide variant.
Coding change: c.18G>T on transcript NM_015221.4 (MANE Select); coding-DNA position 18, G replaced by T.
Protein change: p.Val6=; no amino-acid change (valine 6 retained).
Molecular consequence: synonymous variant.
Genome position (GRCh38, 1-based): chr10:99,972,107, C>A on the plus strand (G>T on the coding strand, the complement: DNMBP is on the minus strand). VCF-style: chr10-99972107-C-A. GRCh37 (hg19) VCF-style: chr10-101731864-C-A.
Identifiers: ClinVar variation 3040756 (VCV003040756.2), dbSNP rs2493290935, ClinGen allele CA471140593.